The following is an entry in ClinVar:

NM_001370259.2(MEN1):c.1387G>C (p.Glu463Gln)

Gene: MEN1 (menin 1; minus strand). Cytogenetic location: 11q13.1.
Variant type: single nucleotide variant.
Coding change: c.1387G>C on transcript NM_001370259.2 (MANE Select); coding-DNA position 1387, G replaced by C.
Protein change: p.Glu463Gln; replaces glutamic acid 463 with glutamine.
Molecular consequence: missense variant.
Genome position (GRCh38, 1-based): chr11:64,804,780, C>G on the plus strand (G>C on the coding strand, the complement: MEN1 is on the minus strand). VCF-style: chr11-64804780-C-G. GRCh37 (hg19) VCF-style: chr11-64572252-C-G.
Other names: c.1402G>C, p.Glu468Gln (NM_000244.4, NM_130800.3, NM_130801.3 and 3 more transcripts); c.1513G>C, p.Glu505Gln (NM_001370251.2); c.1387G>C, p.Glu463Gln (NM_001370260.2, NM_001370261.2, NM_130799.3); c.1282G>C, p.Glu428Gln (NM_001370262.2, NM_001370263.2); short protein forms E463Q, E505Q, E428Q, E468Q.
Identifiers: ClinVar variation 819027 (VCV000819027.13), dbSNP rs748102589, ClinGen allele CA060588.

ClinVar aggregate classification (germline): Conflicting classifications of pathogenicity. Review status: criteria provided, conflicting classifications (1 of 4 stars). 2 submissions from 2 submitters: Uncertain significance (1); Likely benign (1). Last evaluated 2025-12-15.

Conditions:
Multiple endocrine neoplasia, type 1 (MEN1). Also called: MEN I; WERMER SYNDROME; Endocrine adenomatosis multiple; MEN 1; MEA I. Identifiers: Orphanet 652, MedGen C0025267, MeSH D018761, MONDO:0007540, OMIM 131100.
Hereditary cancer-predisposing syndrome. Also called: Hereditary Cancer Syndrome; Neoplastic Syndromes, Hereditary; Hereditary neoplastic syndrome; Tumor predisposition. Identifiers: Orphanet 140162, MedGen C0027672, MeSH D009386, MONDO:0015356.

Allele frequency attached by ClinVar (database versions not stated): ExAC 0.00001; gnomAD 0.00001; TOPMed 0.00001.
gnomAD v4.1: 13 of 1,596,992 alleles (0.00081%); highest among the groups gnomAD compares: Non-Finnish European, 0.0011%; no homozygotes.

Submissions (2):

Labcorp Genetics (formerly Invitae), Labcorp
Classification: Uncertain significance for Multiple endocrine neoplasia, type 1. Last evaluated: 2025-12-15. Review status: criteria provided, single submitter. Criteria: Invitae Variant Classification Sherloc (09022015). Collection method: clinical testing. Allele origin: germline.
Comment: This sequence change replaces glutamic acid, which is acidic and polar, with glutamine, which is neutral and polar, at codon 463 of the MEN1 protein (p.Glu463Gln). This variant is present in population databases (rs748102589, gnomAD 0.002%). This variant has not been reported in the literature in individuals affected with MEN1-related conditions. ClinVar contains an entry for this variant (Variation ID: 819027). Invitae Evidence Modeling of protein sequence and biophysical properties (such as structural, functional, and spatial information, amino acid conservation, physicochemical variation, residue mobility, and thermodynamic stability) has been performed for this missense variant. However, the output from this modeling did not meet the statistical confidence thresholds required to predict the impact of this variant on MEN1 protein function. In summary, the available evidence is currently insufficient to determine the role of this variant in disease. Therefore, it has been classified as a Variant of Uncertain Significance.

Ambry Genetics
Classification: Likely benign for Hereditary cancer-predisposing syndrome. Last evaluated: 2023-12-14. Review status: criteria provided, single submitter. Criteria: Ambry Variant Classification Scheme 2023. Collection method: clinical testing. Allele origin: germline.